The following is an entry in ClinVar:

NM_003383.5(VLDLR):c.82+276C>T

Gene: VLDLR (very low density lipoprotein receptor; plus strand). Cytogenetic location: 9p24.2.
Variant type: single nucleotide variant.
Coding change: c.82+276C>T on transcript NM_003383.5 (MANE Select); 276 bases into the intron after coding-DNA position 82, C replaced by T.
Molecular consequence: intron variant.
Genome position (GRCh38, 1-based): chr9:2,622,547, C>T. VCF-style: chr9-2622547-C-T. GRCh37 (hg19) VCF-style: chr9-2622547-C-T.
Other names: c.82+276C>T (NM_001018056.3, NM_001322225.2, NM_001322226.2).
Identifiers: ClinVar variation 667581 (VCV000667581.2), dbSNP rs7856686, ClinGen allele CA16353224.

ClinVar aggregate classification (germline): Benign. Review status: criteria provided, multiple submitters, no conflicts (2 of 4 stars). 2 submissions from 2 submitters: Benign (2). Last evaluated 2018-06-19.

Allele frequency attached by ClinVar (database versions not stated): 1000 Genomes Project 0.90495; 1000 Genomes Project 30x 0.89631; TOPMed 0.91922.
gnomAD v4.1: 140,594 of 152,222 alleles (92%); highest among the groups gnomAD compares: Non-Finnish European, 95%; 65,007 homozygotes.

Submissions (2):

GeneDx
Classification: Benign. Last evaluated: 2018-06-19. Review status: criteria provided, single submitter. Criteria: GeneDx Variant Classification (06012015). Collection method: clinical testing. Allele origin: germline. Affected: yes.
Comment: This variant is considered likely benign or benign based on one or more of the following criteria: it is a conservative change, it occurs at a poorly conserved position in the protein, it is predicted to be benign by multiple in silico algorithms, and/or has population frequency not consistent with disease.

Breakthrough Genomics
Classification: Benign. Review status: criteria provided, single submitter. Criteria: ACMG Guidelines, 2015. Collection method: not provided. Allele origin: germline. Inheritance: Autosomal recessive inheritance. Affected: yes.